The following is an entry in ClinVar:

NM_213720.3(CHCHD10):c.410G>T (p.Gly137Val)

Gene: CHCHD10 (coiled-coil-helix-coiled-coil-helix domain containing 10; minus strand). Cytogenetic location: 22q11.23.
Variant type: single nucleotide variant.
Coding change: c.410G>T on transcript NM_213720.3 (MANE Select); coding-DNA position 410, G replaced by T.
Protein change: p.Gly137Val; replaces glycine 137 with valine.
Molecular consequence: missense variant. On other transcripts: non-coding transcript variant (2).
Genome position (GRCh38, 1-based): chr22:23,766,026, C>A on the plus strand (G>T on the coding strand, the complement: CHCHD10 is on the minus strand). VCF-style: chr22-23766026-C-A. GRCh37 (hg19) VCF-style: chr22-24108213-C-A.
Other names: c.431G>T, p.Gly144Val (NM_001301339.2); short protein forms G137V, G144V.
Identifiers: ClinVar variation 648284 (VCV000648284.6), dbSNP rs1197865297, ClinGen allele CA410913726.
Genomic context (GRCh38, chr22:23,766,026, plus strand): 5'-AGGTGGGTGCAGGACTGGCCCCCGAGTCTGCACCGACCTCTTCAGGGCAGGGAGCTCAGA[C>A]CTGGGAAGGGAGGGGCAGCACAGGCTGGTGGTCAGCCTGCAGGTGCAAGAGGAGGGTTGG-3'
Protein context (NP_998885.1, residues 127-142): EALKQCKYYH[Gly137Val]LSSLP

ClinVar aggregate classification (germline): Uncertain significance (1 of 4 stars; one submission).

Conditions:
Lower motor neuron syndrome with late-adult onset (SMAJ). Also called: Spinal muscular atrophy, Jokela type; Late-Onset Spinal Motor Neuronopathy (SMAJ). Identifiers: Orphanet 276435, MedGen C3554398, MONDO:0014025, OMIM 615048.
Frontotemporal dementia and/or amyotrophic lateral sclerosis 2. Also called: FTDALS2. Identifiers: Orphanet 275872, MedGen C4014648, MONDO:0014395, OMIM 615911.
Autosomal dominant mitochondrial myopathy with exercise intolerance (IMMD). Also called: Myopathy, isolated mitochondrial, autosomal dominant. Identifiers: Orphanet 457050, MedGen C4015513, MONDO:0014532, OMIM 616209.

Allele frequency attached by ClinVar (database versions not stated): gnomAD exomes 0.00001; gnomAD 0.00001; TOPMed 0.00001.
gnomAD v4.1: 21 of 1,613,598 alleles (0.0013%); highest among the groups gnomAD compares: Non-Finnish European, 0.0017%; no homozygotes.

Submission:

Labcorp Genetics (formerly Invitae), Labcorp
Classification: Uncertain significance for Lower motor neuron syndrome with late-adult onset; Frontotemporal dementia and/or amyotrophic lateral sclerosis 2; Autosomal dominant mitochondrial myopathy with exercise intolerance. Last evaluated: 2025-12-04. Review status: criteria provided, single submitter. Criteria: Invitae Variant Classification Sherloc (09022015). Collection method: clinical testing. Allele origin: germline.
Comment: This sequence change replaces glycine, which is neutral and non-polar, with valine, which is neutral and non-polar, at codon 137 of the CHCHD10 protein (p.Gly137Val). This variant is not present in population databases (gnomAD no frequency). This variant has not been reported in the literature in individuals affected with CHCHD10-related conditions. ClinVar contains an entry for this variant (Variation ID: 648284). An algorithm developed to predict the effect of missense changes on protein structure and function (PolyPhen-2) suggests that this variant is likely to be disruptive. Algorithms developed to predict the effect of sequence changes on RNA splicing suggest that this variant may disrupt the consensus splice site. In summary, the available evidence is currently insufficient to determine the role of this variant in disease. Therefore, it has been classified as a Variant of Uncertain Significance.